The following is an entry in ClinVar:

ClinVar aggregate classification (germline): Uncertain significance. Review status: criteria provided, multiple submitters, no conflicts (2 of 4 stars). 3 submissions from 3 submitters: Uncertain significance (3). Last evaluated 2025-05-14.

Conditions:
Cortical dysplasia-focal epilepsy syndrome (PTHSL1). Also called: Pitt-Hopkins-like syndrome 1. Identifiers: Orphanet 163681, Orphanet 221150, MedGen C2750246, MONDO:0012400, OMIM 610042.

Allele frequency attached by ClinVar (database versions not stated): ExAC 0.00002; gnomAD exomes 0.00002; gnomAD 0.00004 and 0.00006; TOPMed 0.00007; ESP Exome Variant Server 0.00015.
gnomAD v4.1: 8 of 1,613,952 alleles (0.0005%); highest among the groups gnomAD compares: African/African-American, 0.011%; no homozygotes.

Submissions (3):

GeneDx
Classification: Uncertain significance. Last evaluated: 2025-05-14. Review status: criteria provided, single submitter. Criteria: GeneDx Variant Classification Process June 2021. Collection method: clinical testing. Allele origin: germline. Affected: yes.
Comment: In silico analysis suggests that this missense variant does not alter protein structure/function; Has not been previously published as pathogenic or benign to our knowledge

Labcorp Genetics (formerly Invitae), Labcorp
Classification: Uncertain significance for Cortical dysplasia-focal epilepsy syndrome. Last evaluated: 2025-01-06. Review status: criteria provided, single submitter. Criteria: Invitae Variant Classification Sherloc (09022015). Collection method: clinical testing. Allele origin: germline.
Comment: This sequence change replaces aspartic acid, which is acidic and polar, with glutamic acid, which is acidic and polar, at codon 1323 of the CNTNAP2 protein (p.Asp1323Glu). This variant is present in population databases (rs147968599, gnomAD 0.02%). This variant has not been reported in the literature in individuals affected with CNTNAP2-related conditions. ClinVar contains an entry for this variant (Variation ID: 287553). An algorithm developed to predict the effect of missense changes on protein structure and function (PolyPhen-2) suggests that this variant is likely to be tolerated. In summary, the available evidence is currently insufficient to determine the role of this variant in disease. Therefore, it has been classified as a Variant of Uncertain Significance.

Eurofins Ntd Llc (ga)
Classification: Uncertain significance. Last evaluated: 2016-05-05. Review status: criteria provided, single submitter. Criteria: EGL Classification Definitions 2015. Collection method: clinical testing. Allele origin: germline. Observed: 1 variant allele, 1 heterozygote.

NM_014141.6(CNTNAP2):c.3969T>G (p.Asp1323Glu)

Gene: CNTNAP2 (contactin associated protein 2; plus strand). Cytogenetic location: 7q36.1.
Variant type: single nucleotide variant.
Coding change: c.3969T>G on transcript NM_014141.6 (MANE Select); coding-DNA position 3969, T replaced by G.
Protein change: p.Asp1323Glu; replaces aspartic acid 1323 with glutamic acid.
Molecular consequence: missense variant.
Genome position (GRCh38, 1-based): chr7:148,415,589, T>G. VCF-style: chr7-148415589-T-G. GRCh37 (hg19) VCF-style: chr7-148112681-T-G.
Other names: short protein forms D1323E.
Identifiers: ClinVar variation 287553 (VCV000287553.13), dbSNP rs147968599, ClinGen allele CA4546856.